The following is an entry in ClinVar:

ClinVar aggregate classification (germline): Uncertain significance (1 of 4 stars; one submission).

Conditions:
Hereditary spastic paraplegia 4. Also called: Spastic Paraplegia 4; Familial spastic paraplegia autosomal dominant 2; Spastic paraplegia 4, autosomal dominant. Identifiers: Orphanet 100985, MedGen C1866855, MONDO:0008438, OMIM 182601.

gnomAD v4.1: 2 of 1,598,058 alleles (0.00013%); highest among the groups gnomAD compares: Non-Finnish European, 0.00017%; no homozygotes.

Submission:

Labcorp Genetics (formerly Invitae), Labcorp
Classification: Uncertain significance for Hereditary spastic paraplegia 4. Last evaluated: 2024-10-11. Review status: criteria provided, single submitter. Criteria: Invitae Variant Classification Sherloc (09022015). Collection method: clinical testing. Allele origin: germline.
Comment: This sequence change replaces arginine, which is basic and polar, with glycine, which is neutral and non-polar, at codon 175 of the SPAST protein (p.Arg175Gly). This variant is present in population databases (no rsID available, gnomAD 0.0009%). This variant has not been reported in the literature in individuals affected with SPAST-related conditions. Invitae Evidence Modeling of protein sequence and biophysical properties (such as structural, functional, and spatial information, amino acid conservation, physicochemical variation, residue mobility, and thermodynamic stability) has been performed for this missense variant. However, the output from this modeling did not meet the statistical confidence thresholds required to predict the impact of this variant on SPAST protein function. In summary, the available evidence is currently insufficient to determine the role of this variant in disease. Therefore, it has been classified as a Variant of Uncertain Significance.

NM_014946.4(SPAST):c.523A>G (p.Arg175Gly)

Gene: SPAST (spastin; plus strand). Cytogenetic location: 2p22.3.
Variant type: single nucleotide variant.
Coding change: c.523A>G on transcript NM_014946.4 (MANE Select); coding-DNA position 523, A replaced by G.
Protein change: p.Arg175Gly; replaces arginine 175 with glycine.
Molecular consequence: missense variant.
Genome position (GRCh38, 1-based): chr2:32,089,542, A>G. VCF-style: chr2-32089542-A-G. GRCh37 (hg19) VCF-style: chr2-32314611-A-G.
Other names: c.520A>G, p.Arg174Gly (NM_001363823.2, NM_001363875.2); c.523A>G, p.Arg175Gly (NM_001377959.1, NM_199436.2); short protein forms R174G, R175G.
Identifiers: ClinVar variation 3711069 (VCV003711069.2).